The following is an entry in ClinVar:

ClinVar aggregate classification (germline): Likely benign. Review status: criteria provided, multiple submitters, no conflicts (2 of 4 stars). 3 submissions from 3 submitters: Likely benign (3). Last evaluated 2025-12-15.

Conditions:
Deficiency of adenosine deaminase 2. Also called: Adenosine Deaminase 2 Deficiency; VASCULITIS, AUTOINFLAMMATION, IMMUNODEFICIENCY, AND HEMATOLOGIC DEFECTS SYNDROME; Polyarteritis nodosa, childhoood-onset. Identifiers: Orphanet 404553, MedGen C3887654, MONDO:0014306, OMIM 615688, MONDO:0100317.
Sneddon syndrome (SNDNS). Also called: LIVEDO RETICULARIS AND CEREBROVASCULAR ACCIDENTS; Idiopathic livedo reticularis with systemic involvement. Identifiers: Orphanet 820, MedGen C0282492, MONDO:0008436, OMIM 182410.

Allele frequency attached by ClinVar (database versions not stated): gnomAD exomes 0.00005; ExAC 0.00008; gnomAD 0.00029 and 0.00034; TOPMed 0.00038; ESP Exome Variant Server 0.00046.
gnomAD v4.1: 92 of 1,613,460 alleles (0.0057%); highest among the groups gnomAD compares: African/African-American, 0.1%; no homozygotes.

Submissions (3):

Labcorp Genetics (formerly Invitae), Labcorp
Classification: Likely benign for Deficiency of adenosine deaminase 2. Last evaluated: 2025-12-15. Review status: criteria provided, single submitter. Criteria: Invitae Variant Classification Sherloc (09022015). Collection method: clinical testing. Allele origin: germline.

Women's Health and Genetics/Laboratory Corporation of America, LabCorp
Classification: Likely benign. Last evaluated: 2025-11-06. Review status: criteria provided, single submitter. Criteria: LabCorp Variant Classification Summary - May 2015. Collection method: clinical testing. Allele origin: germline.
Comment: Variant summary: ADA2 c.1423C>T results in a synonymous change. Consensus agreement among computation tools predict no significant impact on normal splicing. However, these predictions have yet to be confirmed by functional studies. The variant allele was found at a frequency of 8.1e-05 in 282742 control chromosomes. This frequency is not significantly higher than estimated for disease-causing variants in ADA2, allowing no conclusion about variant significance. To our knowledge, no occurrence of c.1423C>T in individuals affected with ADA2-related conditions and no experimental evidence demonstrating its impact on protein function have been reported. ClinVar contains an entry for this variant (Variation ID: 786263). Based on the evidence outlined above, the variant was classified as likely benign.

Fulgent Genetics
Classification: Likely benign for Sneddon syndrome; Deficiency of adenosine deaminase 2. Last evaluated: 2021-10-18. Review status: criteria provided, single submitter. Criteria: ACMG Guidelines, 2015. Collection method: clinical testing. Allele origin: unknown.

NM_001282225.2(ADA2):c.1423C>T (p.Leu475=)

Gene: ADA2 (adenosine deaminase 2; minus strand). Cytogenetic location: 22q11.1.
Variant type: single nucleotide variant.
Coding change: c.1423C>T on transcript NM_001282225.2 (MANE Select); coding-DNA position 1423, C replaced by T.
Protein change: p.Leu475=; no amino-acid change (leucine 475 retained).
Molecular consequence: synonymous variant.
Genome position (GRCh38, 1-based): chr22:17,181,839, G>A on the plus strand (C>T on the coding strand, the complement: ADA2 is on the minus strand). VCF-style: chr22-17181839-G-A. GRCh37 (hg19) VCF-style: chr22-17662729-G-A.
Other names: c.1423C>T, p.Leu475= (NM_001282226.2); c.1297C>T, p.Leu433= (NM_001282227.2, NM_001282228.2); c.1063C>T, p.Leu355= (NM_001282229.2); c.700C>T, p.Leu234= (NM_177405.3).
Identifiers: ClinVar variation 786263 (VCV000786263.12), dbSNP rs138076444, ClinGen allele CA10087876.
Genomic context (GRCh38, chr22:17,181,839, plus strand): 5'-TGGAAGGAGGCGGGGGACCTGGGAGGACACAGGACACTCACTTGATAGAGTTCATGGCCA[G>A]CTGTTTGAGGGTCCTCAGGTCAGCCTTCATCCCCCCAATGCCCATGAAGACCTCATAGAA-3'
Protein context (NP_001269154.1, residues 465-485): MKADLRTLKQ[Leu475=]AMNSIKYSTL